The following is an entry in ClinVar:

NM_000388.4(CASR):c.3054C>A (p.Cys1018Ter)

Gene: CASR (calcium sensing receptor; plus strand). Cytogenetic location: 3q21.1.
Variant type: single nucleotide variant.
Coding change: c.3054C>A on transcript NM_000388.4 (MANE Select); coding-DNA position 3054, C replaced by A.
Protein change: p.Cys1018Ter; replaces cysteine 1018 with a stop codon.
Molecular consequence: nonsense.
Genome position (GRCh38, 1-based): chr3:122,285,008, C>A. VCF-style: chr3-122285008-C-A. GRCh37 (hg19) VCF-style: chr3-122003855-C-A.
Other names: c.3084C>A, p.Cys1028Ter (NM_001178065.2); short protein forms C1018*, C1028*.
Identifiers: ClinVar variation 3898243 (VCV003898243.7).

ClinVar aggregate classification (germline): Uncertain significance (1 of 4 stars; one submission).

Submission:

CeGaT Center for Human Genetics Tuebingen
Classification: Uncertain significance. Last evaluated: 2025-04-01. Review status: criteria provided, single submitter. Criteria: CeGaT Center For Human Genetics Tuebingen Variant Classification Criteria Version 2. Collection method: clinical testing. Allele origin: germline. Affected: yes. Observed: 1 variant allele.
Comment: CASR: PM2, PVS1:Moderate